The following is an entry in ClinVar:

NM_018124.4(RFWD3):c.960dup (p.Lys321Ter)

Gene: RFWD3 (ring finger and WD repeat domain 3; minus strand). Cytogenetic location: 16q23.1.
Variant type: Duplication.
Coding change: c.960dup on transcript NM_018124.4 (MANE Select); coding-DNA position 960, one base duplicated (T; older notation c.960dupT).
Protein change: p.Lys321Ter; replaces lysine 321 with a stop codon.
Molecular consequence: nonsense.
Genome position (GRCh38, 1-based): chr16:74,644,568, A duplicated on the plus strand (T on the coding strand, the reverse complement: RFWD3 is on the minus strand); the first of 2 consecutive A bases (chr16:74,644,568-74,644,569); duplicating either gives the same sequence. VCF-style (leftmost placement, unchanged base first): chr16-74644567-T-TA. GRCh37 (hg19) VCF-style: chr16-74678465-T-TA.
Other names: c.960dup, p.Lys321Ter (NM_001370534.1, NM_001370535.1, NM_001370536.1); c.126dup, p.Lys43Ter (NM_001370537.1, NM_001370539.1, NM_001370540.1 and 2 more transcripts); short protein forms K321*, K43*.
Identifiers: ClinVar variation 4810348 (VCV004810348.1).

ClinVar aggregate classification (germline): Uncertain significance (1 of 4 stars; one submission).

Submission:

Labcorp Genetics (formerly Invitae), Labcorp
Classification: Uncertain significance. Last evaluated: 2025-02-10. Review status: criteria provided, single submitter. Criteria: Invitae Variant Classification Sherloc (09022015). Collection method: clinical testing. Allele origin: germline.
Comment: This sequence change creates a premature translational stop signal (p.Lys321*) in the RFWD3 gene. It is expected to result in an absent or disrupted protein product. However, the current clinical and genetic evidence is not sufficient to establish whether loss-of-function variants in RFWD3 cause disease. This variant is not present in population databases (gnomAD no frequency). This variant has not been reported in the literature in individuals affected with RFWD3-related conditions. In summary, the available evidence is currently insufficient to determine the role of this variant in disease. Therefore, it has been classified as a Variant of Uncertain Significance.